The following is an entry in ClinVar:

NM_001123385.2(BCOR):c.1634C>T (p.Pro545Leu)

Gene: BCOR (BCL6 corepressor; minus strand). Cytogenetic location: Xp11.4.
Variant type: single nucleotide variant.
Coding change: c.1634C>T on transcript NM_001123385.2 (MANE Select); coding-DNA position 1634, C replaced by T.
Protein change: p.Pro545Leu; replaces proline 545 with leucine.
Molecular consequence: missense variant.
Genome position (GRCh38, 1-based): chrX:40,073,712, G>A on the plus strand (C>T on the coding strand, the complement: BCOR is on the minus strand). VCF-style: chrX-40073712-G-A. GRCh37 (hg19) VCF-style: chrX-39932965-G-A.
Other names: c.1634C>T, p.Pro545Leu (NM_001123383.2, NM_001123384.2, NM_001437510.1 and 4 more transcripts); short protein forms P545L.
Identifiers: ClinVar variation 4741655 (VCV004741655.1).

ClinVar aggregate classification (germline): Uncertain significance (1 of 4 stars; one submission).

Conditions:
Oculofaciocardiodental syndrome (MCOPS2). Identifiers: Orphanet 2712, MedGen C1846265, MONDO:0010261, OMIM 300166.

gnomAD v4.1: 4 of 1,211,687 alleles (0.00033%); highest among the groups gnomAD compares: African/African-American, 0.0017%; no homozygotes.

Submission:

Labcorp Genetics (formerly Invitae), Labcorp
Classification: Uncertain significance for Oculofaciocardiodental syndrome. Last evaluated: 2025-06-23. Review status: criteria provided, single submitter. Criteria: Invitae Variant Classification Sherloc (09022015). Collection method: clinical testing. Allele origin: germline.
Comment: This sequence change replaces proline, which is neutral and non-polar, with leucine, which is neutral and non-polar, at codon 545 of the BCOR protein (p.Pro545Leu). This variant is present in population databases (rs149621463, gnomAD 0.009%). This variant has not been reported in the literature in individuals affected with BCOR-related conditions. An algorithm developed to predict the effect of missense changes on protein structure and function (PolyPhen-2) suggests that this variant is likely to be disruptive. In summary, the available evidence is currently insufficient to determine the role of this variant in disease. Therefore, it has been classified as a Variant of Uncertain Significance.